The following is an entry in ClinVar:

NM_006015.6(ARID1A):c.2161+6C>T

Gene: ARID1A (AT-rich interaction domain 1A; plus strand). Cytogenetic location: 1p36.11.
Variant type: single nucleotide variant.
Coding change: c.2161+6C>T on transcript NM_006015.6 (MANE Select); 6 bases into the intron after coding-DNA position 2161, C replaced by T.
Molecular consequence: intron variant.
Genome position (GRCh38, 1-based): chr1:26,761,102, C>T. VCF-style: chr1-26761102-C-T. GRCh37 (hg19) VCF-style: chr1-27087593-C-T.
Other names: c.2161+6C>T (NM_139135.4).
Identifiers: ClinVar variation 4798633 (VCV004798633.1).

ClinVar aggregate classification (germline): Uncertain significance (1 of 4 stars; one submission).

Submission:

Labcorp Genetics (formerly Invitae), Labcorp
Classification: Uncertain significance. Last evaluated: 2025-07-13. Review status: criteria provided, single submitter. Criteria: Invitae Variant Classification Sherloc (09022015). Collection method: clinical testing. Allele origin: germline.
Comment: This sequence change falls in intron 5 of the ARID1A gene. It does not directly change the encoded amino acid sequence of the ARID1A protein. It affects a nucleotide within the consensus splice site. This variant is not present in population databases (gnomAD no frequency). This variant has not been reported in the literature in individuals affected with ARID1A-related conditions. Variants that disrupt the consensus splice site are a relatively common cause of aberrant splicing (PMID: 17576681, 9536098). Algorithms developed to predict the effect of sequence changes on RNA splicing suggest that this variant is not likely to affect RNA splicing. In summary, the available evidence is currently insufficient to determine the role of this variant in disease. Therefore, it has been classified as a Variant of Uncertain Significance.

Literature cited by the submitters: PubMed 17576681; PubMed 9536098.